The following is an entry in ClinVar:

NM_005633.4(SOS1):c.2405C>T (p.Ser802Leu)

Gene: SOS1 (SOS Ras/Rac guanine nucleotide exchange factor 1; minus strand). Cytogenetic location: 2p22.1.
Variant type: single nucleotide variant.
Coding change: c.2405C>T on transcript NM_005633.4 (MANE Select); coding-DNA position 2405, C replaced by T.
Protein change: p.Ser802Leu; replaces serine 802 with leucine.
Molecular consequence: missense variant.
Genome position (GRCh38, 1-based): chr2:39,010,689, G>A on the plus strand (C>T on the coding strand, the complement: SOS1 is on the minus strand). VCF-style: chr2-39010689-G-A. GRCh37 (hg19) VCF-style: chr2-39237830-G-A.
Other names: c.2384C>T, p.Ser795Leu (NM_001382394.1); c.2405C>T, p.Ser802Leu (NM_001382395.1); short protein forms S795L, S802L.
Identifiers: ClinVar variation 2627311 (VCV002627311.2), dbSNP rs2528985205, ClinGen allele CA346363942.

ClinVar aggregate classification (germline): Uncertain significance. Review status: criteria provided, multiple submitters, no conflicts (2 of 4 stars). 2 submissions from 2 submitters: Uncertain significance (2). Last evaluated 2024-04-12.

Conditions:
Cardiovascular phenotype. Identifiers: MedGen CN230736.

Submissions (2):

Ambry Genetics
Classification: Uncertain significance for Cardiovascular phenotype. Last evaluated: 2024-04-12. Review status: criteria provided, single submitter. Criteria: Ambry Variant Classification Scheme 2023. Collection method: clinical testing. Allele origin: germline.
Comment: The p.S802L variant (also known as c.2405C>T), located in coding exon 15 of the SOS1 gene, results from a C to T substitution at nucleotide position 2405. The serine at codon 802 is replaced by leucine, an amino acid with dissimilar properties. This amino acid position is highly conserved in available vertebrate species. In addition, this alteration is predicted to be deleterious by in silico analysis. Based on the available evidence, the clinical significance of this variant remains unclear.

Women's Health and Genetics/Laboratory Corporation of America, LabCorp
Classification: Uncertain significance. Last evaluated: 2023-09-25. Review status: criteria provided, single submitter. Criteria: LabCorp Variant Classification Summary - May 2015. Collection method: clinical testing. Allele origin: germline.